The following is an entry in ClinVar:

ClinVar aggregate classification (germline): Conflicting classifications of pathogenicity. Review status: criteria provided, conflicting classifications (1 of 4 stars). 9 submissions from 9 submitters: Uncertain significance (1); Benign (3); Likely benign (5). Last evaluated 2026-09-01.

Conditions:
Inborn genetic diseases. Identifiers: MedGen C0950123, MeSH D030342.
Cornelia de Lange syndrome 3 (CDLS3). Also called: CORNELIA DE LANGE SYNDROME 3 WITH OR WITHOUT MIDLINE BRAIN DEFECTS; SMC3-Related Cornelia de Lange Syndrome. Identifiers: Orphanet 199, MedGen C1853099, MONDO:0012555, OMIM 610759.

Allele frequency attached by ClinVar (database versions not stated): 1000 Genomes Project 30x 0.00016; 1000 Genomes Project 0.00020; gnomAD 0.00125 and 0.00132; TOPMed 0.00149; gnomAD exomes 0.00160 and 0.00215; ExAC 0.00196; ESP Exome Variant Server 0.00223.
gnomAD v4.1: 3,352 of 1,614,104 alleles (0.21%); highest among the groups gnomAD compares: Non-Finnish European, 0.26%; 7 homozygotes.

Submissions (9):

CeGaT Center for Human Genetics Tuebingen
Classification: Likely benign. Last evaluated: 2026-09-01. Review status: criteria provided, single submitter. Criteria: CeGaT Center For Human Genetics Tuebingen Variant Classification Criteria Version 2. Collection method: clinical testing. Allele origin: germline. Affected: yes. Observed: 15 variant alleles.
Comment: SMC3: BP4, BP7, BS1

Labcorp Genetics (formerly Invitae), Labcorp
Classification: Benign for Cornelia de Lange syndrome 3. Last evaluated: 2025-12-24. Review status: criteria provided, single submitter. Criteria: Invitae Variant Classification Sherloc (09022015). Collection method: clinical testing. Allele origin: germline.

Athena Diagnostics
Classification: Benign. Last evaluated: 2025-09-30. Review status: criteria provided, single submitter. Criteria: Athena Diagnostics Criteria. Collection method: clinical testing. Allele origin: unknown.
Comment: The frequency of this variant in the general population is higher than would generally be expected for pathogenic variants in this gene.

Blueprint Genetics
Classification: Likely benign. Last evaluated: 2024-11-27. Review status: criteria provided, single submitter. Criteria: ACMG Guidelines, 2015. Collection method: clinical testing. Allele origin: germline.

Illumina Laboratory Services, Illumina
Classification: Benign for Cornelia de Lange syndrome 3. Last evaluated: 2018-01-12. Review status: criteria provided, single submitter. Criteria: ICSL Variant Classification Criteria 13 December 2019. Collection method: clinical testing. Allele origin: germline.
Comment: This variant was observed in the ICSL laboratory as part of a predisposition screen in an ostensibly healthy population. It had not been previously curated by ICSL or reported in the Human Gene Mutation Database (HGMD: prior to June 1st, 2018), and was therefore a candidate for classification through an automated scoring system. Utilizing variant allele frequency, disease prevalence and penetrance estimates, and inheritance mode, an automated score was calculated to assess if this variant is too frequent to cause the disease. Based on the score and internal cut-off values, a variant classified as benign is not then subjected to further curation. The score for this variant resulted in a classification of benign for this disease.

Ambry Genetics
Classification: Likely benign for Inborn genetic diseases. Last evaluated: 2016-06-16. Review status: criteria provided, single submitter. Criteria: Ambry Variant Classification Scheme 2023. Collection method: clinical testing. Allele origin: germline.

Eurofins Ntd Llc (ga)
Classification: Likely benign. Last evaluated: 2015-01-28. Review status: criteria provided, single submitter. Criteria: EGL Classification Definitions 2015. Collection method: clinical testing. Allele origin: germline. Observed: 1 variant allele, 1 heterozygote.

Genetic Services Laboratory, University of Chicago
Classification: Uncertain significance for Cornelia de Lange syndrome 3. Last evaluated: 2013-02-08. Review status: criteria provided, single submitter. Criteria: ACMG Guidelines, 2007. Collection method: clinical testing. Allele origin: germline. Inheritance: Autosomal dominant inheritance.

PreventionGenetics, part of Exact Sciences
Classification: Likely benign. Review status: criteria provided, single submitter. Criteria: ACMG Guidelines, 2015. Collection method: clinical testing. Allele origin: germline.

NM_005445.4(SMC3):c.2329T>C (p.Leu777=)

Gene: SMC3 (structural maintenance of chromosomes 3; plus strand). Cytogenetic location: 10q25.2.
Variant type: single nucleotide variant.
Coding change: c.2329T>C on transcript NM_005445.4 (MANE Select); coding-DNA position 2329, T replaced by C.
Protein change: p.Leu777=; no amino-acid change (leucine 777 retained).
Molecular consequence: synonymous variant.
Genome position (GRCh38, 1-based): chr10:110,599,714, T>C. VCF-style: chr10-110599714-T-C. GRCh37 (hg19) VCF-style: chr10-112359472-T-C.
Identifiers: ClinVar variation 159975 (VCV000159975.56), dbSNP rs76625999, ClinGen allele CA201850.